The following is an entry in ClinVar:

ClinVar aggregate classification (germline): Uncertain significance (1 of 4 stars; one submission).

Conditions:
Cardiovascular phenotype. Identifiers: MedGen CN230736.

Submission:

Ambry Genetics
Classification: Uncertain significance for Cardiovascular phenotype. Last evaluated: 2021-06-22. Review status: criteria provided, single submitter. Criteria: Ambry Variant Classification Scheme 2023. Collection method: clinical testing. Allele origin: germline.
Comment: The p.Q32K variant (also known as c.94C>A), located in coding exon 1 of the SCN10A gene, results from a C to A substitution at nucleotide position 94. The glutamine at codon 32 is replaced by lysine, an amino acid with similar properties. This amino acid position is conserved. In addition, this alteration is predicted to be tolerated by in silico analysis. Since supporting evidence is limited at this time, the clinical significance of this alteration remains unclear.

NM_006514.4(SCN10A):c.94C>A (p.Gln32Lys)

Gene: SCN10A (sodium voltage-gated channel alpha subunit 10; minus strand). Cytogenetic location: 3p22.2.
Variant type: single nucleotide variant.
Coding change: c.94C>A on transcript NM_006514.4 (MANE Select); coding-DNA position 94, C replaced by A.
Protein change: p.Gln32Lys; replaces glutamine 32 with lysine.
Molecular consequence: missense variant.
Genome position (GRCh38, 1-based): chr3:38,793,917, G>T on the plus strand (C>A on the coding strand, the complement: SCN10A is on the minus strand). VCF-style: chr3-38793917-G-T. GRCh37 (hg19) VCF-style: chr3-38835408-G-T.
Other names: c.94C>A, p.Gln32Lys (NM_001293306.2, NM_001293307.2); short protein forms Q32K.
Identifiers: ClinVar variation 1767158 (VCV001767158.2), dbSNP rs2470901690, ClinGen allele CA352163202.